The following is an entry in ClinVar:

ClinVar aggregate classification (germline): Uncertain significance. Review status: criteria provided, multiple submitters, no conflicts (2 of 4 stars). 4 submissions from 4 submitters: Uncertain significance (4). Last evaluated 2026-07-12.

Conditions:
Inborn genetic diseases. Identifiers: MedGen C0950123, MeSH D030342.
Joubert syndrome 7 (JBTS7). Identifiers: Orphanet 220497, MedGen C1969053, MONDO:0012694, OMIM 611560.
Meckel syndrome, type 5 (MKS5). Identifiers: Orphanet 564, MedGen C1969052, MONDO:0012695, OMIM 611561.
COACH syndrome 3. Identifiers: MedGen C5436841, MONDO:0030862, OMIM 619113.
RPGRIP1L-related disorder. Also called: RPGRIP1L-related condition; RPGRIP1L-related disorders. Identifiers: MedGen CN239416.
Joubert syndrome. Also called: Familial aplasia of the vermis; JOUBERT-BOLTSHAUSER SYNDROME. Identifiers: Orphanet 475, MedGen C5979921, MONDO:0018772.
Meckel-Gruber syndrome. Also called: Dysencephalia splachnocystica; DYSENCEPHALIA SPLANCHNOCYSTICA; GRUBER SYNDROME. Identifiers: Orphanet 564, MedGen C0265215, MONDO:0018921.

Allele frequency attached by ClinVar (database versions not stated): gnomAD 0.00001; ExAC 0.00002; gnomAD exomes 0.00002; TOPMed 0.00002.
gnomAD v4.1: 30 of 1,613,686 alleles (0.0019%); highest among the groups gnomAD compares: Non-Finnish European, 0.0025%; no homozygotes.

Submissions (4):

PreventionGenetics, part of Exact Sciences
Classification: Uncertain significance for RPGRIP1L-related condition. Last evaluated: 2026-07-12. Review status: criteria provided, single submitter. Criteria: ACMG Guidelines, 2015. Collection method: clinical testing. Allele origin: germline.
Comment: The RPGRIP1L c.1610T>C variant is predicted to result in the amino acid substitution p.Met537Thr. To our knowledge, this variant has not been reported in the literature. This variant is reported in 0.0054% of alleles in individuals of European (non-Finnish) descent in gnomAD. At this time, the clinical significance of this variant is uncertain due to the absence of conclusive functional and genetic evidence.

Ambry Genetics
Classification: Uncertain significance for Inborn genetic diseases. Last evaluated: 2025-05-07. Review status: criteria provided, single submitter. Criteria: Ambry Variant Classification Scheme 2023. Collection method: clinical testing. Allele origin: germline.

Fulgent Genetics
Classification: Uncertain significance for Joubert syndrome 7; Meckel syndrome, type 5; COACH syndrome 3. Last evaluated: 2024-06-20. Review status: criteria provided, single submitter. Criteria: ACMG Guidelines, 2015. Collection method: clinical testing. Allele origin: germline.

Labcorp Genetics (formerly Invitae), Labcorp
Classification: Uncertain significance for Joubert syndrome; Meckel-Gruber syndrome. Last evaluated: 2022-08-21. Review status: criteria provided, single submitter. Criteria: Invitae Variant Classification Sherloc (09022015). Collection method: clinical testing. Allele origin: germline.
Comment: This sequence change replaces methionine, which is neutral and non-polar, with threonine, which is neutral and polar, at codon 537 of the RPGRIP1L protein (p.Met537Thr). This variant is present in population databases (rs752785301, gnomAD 0.006%). This variant has not been reported in the literature in individuals affected with RPGRIP1L-related conditions. ClinVar contains an entry for this variant (Variation ID: 1522752). Algorithms developed to predict the effect of missense changes on protein structure and function are either unavailable or do not agree on the potential impact of this missense change (SIFT: "Deleterious"; PolyPhen-2: "Benign"; Align-GVGD: "Class C15"). In summary, the available evidence is currently insufficient to determine the role of this variant in disease. Therefore, it has been classified as a Variant of Uncertain Significance.

NM_015272.5(RPGRIP1L):c.1610T>C (p.Met537Thr)

Gene: RPGRIP1L (RPGRIP1 like; minus strand). Cytogenetic location: 16q12.2.
Variant type: single nucleotide variant.
Coding change: c.1610T>C on transcript NM_015272.5 (MANE Select); coding-DNA position 1610, T replaced by C.
Protein change: p.Met537Thr; replaces methionine 537 with threonine.
Molecular consequence: missense variant.
Genome position (GRCh38, 1-based): chr16:53,656,561, A>G on the plus strand (T>C on the coding strand, the complement: RPGRIP1L is on the minus strand). VCF-style: chr16-53656561-A-G. GRCh37 (hg19) VCF-style: chr16-53690473-A-G.
Other names: c.1610T>C (NM_015272.2, NM_015272.4); c.1610T>C, p.Met537Thr (NM_001127897.4, NM_001308334.3, NM_001330538.2); short protein forms M537T.
Identifiers: ClinVar variation 1522752 (VCV001522752.9), dbSNP rs752785301, ClinGen allele CA8057751.